The following is an entry in ClinVar:

NM_000257.4(MYH7):c.4089G>C (p.Lys1363Asn)

Gene: MYH7 (myosin heavy chain 7; minus strand). Cytogenetic location: 14q11.2.
Variant type: single nucleotide variant.
Coding change: c.4089G>C on transcript NM_000257.4 (MANE Select); coding-DNA position 4089, G replaced by C.
Protein change: p.Lys1363Asn; replaces lysine 1363 with asparagine.
Molecular consequence: missense variant.
Genome position (GRCh38, 1-based): chr14:23,418,290, C>G on the plus strand (G>C on the coding strand, the complement: MYH7 is on the minus strand). VCF-style: chr14-23418290-C-G. GRCh37 (hg19) VCF-style: chr14-23887499-C-G.
Other names: c.4089G>C (NM_000257.2); short protein forms K1363N.
Identifiers: ClinVar variation 1481330 (VCV001481330.9), dbSNP rs1892311979, ClinGen allele CA389040971.

ClinVar aggregate classification (germline): Uncertain significance. Review status: criteria provided, multiple submitters, no conflicts (2 of 4 stars). 2 submissions from 2 submitters: Uncertain significance (2). Last evaluated 2025-04-18.

Conditions:
Hypertrophic cardiomyopathy. Also called: HYPERTROPHIC MYOCARDIOPATHY. Identifiers: Orphanet 217569, MedGen C0007194, MeSH D002312, MONDO:0005045, HP:0001639.

Allele frequency attached by ClinVar (database versions not stated): TOPMed 0.00001.

Submissions (2):

GeneDx
Classification: Uncertain significance. Last evaluated: 2025-04-18. Review status: criteria provided, single submitter. Criteria: GeneDx Variant Classification Process June 2021. Collection method: clinical testing. Allele origin: germline. Affected: yes.
Comment: Not observed at significant frequency in large population cohorts (gnomAD); In silico analysis supports that this missense variant has a deleterious effect on protein structure/function; Has not been previously published as pathogenic or benign to our knowledge

Labcorp Genetics (formerly Invitae), Labcorp
Classification: Uncertain significance for Hypertrophic cardiomyopathy. Last evaluated: 2021-07-12. Review status: criteria provided, single submitter. Criteria: Invitae Variant Classification Sherloc (09022015). Collection method: clinical testing. Allele origin: germline.
Comment: This sequence change replaces lysine with asparagine at codon 1363 of the MYH7 protein (p.Lys1363Asn). The lysine residue is highly conserved and there is a moderate physicochemical difference between lysine and asparagine. This variant is not present in population databases (ExAC no frequency). This variant has not been reported in the literature in individuals affected with MYH7-related conditions. Algorithms developed to predict the effect of missense changes on protein structure and function are either unavailable or do not agree on the potential impact of this missense change (SIFT: "Deleterious"; PolyPhen-2: "Probably Damaging"; Align-GVGD: "Class C0"). In summary, the available evidence is currently insufficient to determine the role of this variant in disease. Therefore, it has been classified as a Variant of Uncertain Significance.